The following is an entry in ClinVar:

ClinVar aggregate classification (germline): Pathogenic/Likely pathogenic. Review status: criteria provided, multiple submitters, no conflicts (2 of 4 stars). 2 submissions from 2 submitters: Pathogenic (1); Likely pathogenic (1). Last evaluated 2018-10-30.

Conditions:
Autosomal recessive limb-girdle muscular dystrophy type 2A (LGMDR1). Also called: Limb-girdle muscular dystrophy, type 2A; Calpainopathy; LEYDEN-MOEBIUS MUSCULAR DYSTROPHY; MUSCULAR DYSTROPHY, PELVOFEMORAL; Muscular dystrophy, limb-girdle, type 2A, Amish. Identifiers: Orphanet 267, MedGen C1869123, MONDO:0009675, OMIM 253600. Disease mechanism: loss of function.

Submissions (2):

Labcorp Genetics (formerly Invitae), Labcorp
Classification: Pathogenic for Autosomal recessive limb-girdle muscular dystrophy type 2A. Last evaluated: 2018-10-30. Review status: criteria provided, single submitter. Criteria: Invitae Variant Classification Sherloc (09022015). Collection method: clinical testing. Allele origin: germline.
Comment: This variant has not been reported in the literature in individuals with CAPN3-related disease. ClinVar contains an entry for this variant (Variation ID: 419065). This sequence change creates a premature translational stop signal (p.Met248Valfs*19) in the CAPN3 gene. It is expected to result in an absent or disrupted protein product. This variant is not present in population databases (ExAC no frequency). Loss-of-function variants in CAPN3 are known to be pathogenic (PMID: 10330340, 15689361). For these reasons, this variant has been classified as Pathogenic.

GeneDx
Classification: Likely pathogenic. Last evaluated: 2017-06-20. Review status: criteria provided, single submitter. Criteria: GeneDx Variant Classification (06012015). Collection method: clinical testing. Allele origin: germline. Affected: yes.
Comment: The c.742_743delAT variant is not observed in large population cohorts (Lek et al., 2016; 1000 Genomes Consortium et al., 2015; Exome Variant Server). The c.742_743delAT variant causes a frameshift starting with codon Methionine 248, changes this amino acid to a Valine residue and creates a premature Stop codon at position 19 of the new reading frame, denoted p.Met248ValfsX19. This variant is predicted to cause loss of normal protein function through protein truncation or nonsense-mediated mRNA decay. Although this variant has not been reported previously to our knowledge, other loss-of-function variants in the CAPN3 gene have been reported in the Human Gene Mutation Database in association with LGMD2A (Stenson et al., 2014).

Literature cited by the submitters: PubMed 10330340 (cited by Labcorp Genetics (formerly Invitae), Labcorp); PubMed 15689361 (cited by Labcorp Genetics (formerly Invitae), Labcorp).

NM_000070.3(CAPN3):c.742_743del (p.Met248fs)

Gene: CAPN3 (calpain 3; plus strand). Cytogenetic location: 15q15.1.
Variant type: Deletion.
Coding change: c.742_743del on transcript NM_000070.3 (MANE Select); coding-DNA positions 742 to 743, 2 bases deleted (AT; older notation c.742_743delAT).
Protein change: p.Met248fs; shifts the reading frame from methionine 248.
Molecular consequence: frameshift variant.
Genome position (GRCh38, 1-based): chr15:42,389,037-42,389,038, AT deleted. VCF-style (leftmost placement, unchanged base first): chr15-42389036-CAT-C. GRCh37 (hg19) VCF-style: chr15-42681234-CAT-C.
Other names: c.742_743del, p.Met248fs (NM_024344.2, NM_173087.2); short protein forms M248fs.
Identifiers: ClinVar variation 419065 (VCV000419065.9), dbSNP rs1064793620, ClinGen allele CA16619926.